The following is an entry in ClinVar:

ClinVar aggregate classification (germline): Uncertain significance. Review status: criteria provided, multiple submitters, no conflicts (2 of 4 stars). 2 submissions from 2 submitters: Uncertain significance (2). Last evaluated 2025-03-30.

Allele frequency attached by ClinVar (database versions not stated): ExAC 0.00001; TOPMed 0.00002; gnomAD 0.00003; 1000 Genomes Project 30x 0.00016; 1000 Genomes Project 0.00020.
gnomAD v4.1: 9 of 1,609,984 alleles (0.00056%); highest among the groups gnomAD compares: African/African-American, 0.011%; no homozygotes.

Submissions (2):

Ambry Genetics
Classification: Uncertain significance. Last evaluated: 2025-03-30. Review status: criteria provided, single submitter. Criteria: Ambry Variant Classification Scheme 2023. Collection method: clinical testing. Allele origin: germline.

Labcorp Genetics (formerly Invitae), Labcorp
Classification: Uncertain significance. Last evaluated: 2023-07-03. Review status: criteria provided, single submitter. Criteria: Invitae Variant Classification Sherloc (09022015). Collection method: clinical testing. Allele origin: germline.
Comment: In summary, the available evidence is currently insufficient to determine the role of this variant in disease. Therefore, it has been classified as a Variant of Uncertain Significance. Algorithms developed to predict the effect of missense changes on protein structure and function output the following: SIFT: "Not Available"; PolyPhen-2: "Benign"; Align-GVGD: "Not Available". The threonine amino acid residue is found in multiple mammalian species, which suggests that this missense change does not adversely affect protein function. This variant has not been reported in the literature in individuals affected with CASZ1-related conditions. This variant is present in population databases (rs551939247, gnomAD 0.01%). This sequence change replaces alanine, which is neutral and non-polar, with threonine, which is neutral and polar, at codon 978 of the CASZ1 protein (p.Ala978Thr).

NM_001079843.3(CASZ1):c.2932G>A (p.Ala978Thr)

Gene: CASZ1 (castor zinc finger 1; minus strand). Cytogenetic location: 1p36.22.
Variant type: single nucleotide variant.
Coding change: c.2932G>A on transcript NM_001079843.3 (MANE Select); coding-DNA position 2932, G replaced by A.
Protein change: p.Ala978Thr; replaces alanine 978 with threonine.
Molecular consequence: missense variant.
Genome position (GRCh38, 1-based): chr1:10,649,386, C>T on the plus strand (G>A on the coding strand, the complement: CASZ1 is on the minus strand). VCF-style: chr1-10649386-C-T. GRCh37 (hg19) VCF-style: chr1-10709443-C-T.
Other names: c.2932G>A, p.Ala978Thr (NM_017766.5); c.2932G>A (NM_001079843.1); short protein forms A978T.
Identifiers: ClinVar variation 2885991 (VCV002885991.4), dbSNP rs551939247, ClinGen allele CA584664.